The following is an entry in ClinVar:

NM_007294.4(BRCA1):c.4253T>C (p.Leu1418Ser)

Gene: BRCA1 (BRCA1 DNA repair associated; minus strand). Cytogenetic location: 17q21.31.
Variant type: single nucleotide variant.
Coding change: c.4253T>C on transcript NM_007294.4 (MANE Select); coding-DNA position 4253, T replaced by C.
Protein change: p.Leu1418Ser; replaces leucine 1418 with serine.
Molecular consequence: missense variant. On other transcripts: non-coding transcript variant (1).
Genome position (GRCh38, 1-based): chr17:43,082,508, A>G on the plus strand (T>C on the coding strand, the complement: BRCA1 is on the minus strand). VCF-style: chr17-43082508-A-G. GRCh37 (hg19) VCF-style: chr17-41234525-A-G.
Other names: c.4040T>C, p.Leu1347Ser (NM_001407908.1, NM_001407909.1, NM_001407853.1 and 12 more transcripts); c.734T>C, p.Leu245Ser (NM_001408484.1, NM_001408485.1, NM_001408478.1 and 6 more transcripts); c.4250T>C, p.Leu1417Ser (NM_001407634.1, NM_001407635.1, NM_001407636.1 and 21 more transcripts); c.731T>C, p.Leu244Ser (NM_001408489.1, NM_001408490.1, NM_001408493.1 and 3 more transcripts); c.4106T>C, p.Leu1369Ser (NM_001407847.1, NM_001407848.1, NM_001407849.1); c.4109T>C, p.Leu1370Ser (NM_001407844.1, NM_001407846.1, NM_001407845.1 and 23 more transcripts); c.4253T>C, p.Leu1418Ser (NM_001407854.1, NM_001407858.1, NM_001407652.1 and 23 more transcripts); c.4175T>C, p.Leu1392Ser (NM_001407653.1, NM_001407654.1, NM_001407655.1 and 2 more transcripts); and 51 more; short protein forms L1418S, L1371S, L315S, L1122S, L1291S, L1329S, L1370S, L1390S.
Identifiers: ClinVar variation 246517 (VCV000246517.18), dbSNP rs397509157, ClinGen allele CA10584555.

ClinVar aggregate classification (germline): Uncertain significance. Review status: criteria provided, multiple submitters, no conflicts (2 of 4 stars). 4 submissions from 4 submitters: Uncertain significance (4). Last evaluated 2024-09-14.

Conditions:
Hereditary cancer-predisposing syndrome. Also called: Hereditary neoplastic syndrome; Neoplastic Syndromes, Hereditary; Tumor predisposition; Hereditary Cancer Syndrome. Identifiers: Orphanet 140162, MedGen C0027672, MeSH D009386, MONDO:0015356.
Hereditary breast ovarian cancer syndrome. Also called: Hereditary breast and ovarian cancer syndrome (HBOC); Hereditary breast and ovarian cancer; Hereditary breast and ovarian cancer syndrome; Breast and ovarian cancer; Hereditary breast and/or ovarian cancer syndrome; BRCA1- and BRCA2-Associated Hereditary Breast and Ovarian Cancer. Identifiers: Orphanet 145, MedGen C0677776, MeSH D061325, MONDO:0003582. Disease mechanism: loss of function.

Allele frequency attached by ClinVar (database versions not stated): gnomAD exomes below 0.00001.
gnomAD v4.1: 1 of 1,614,190 alleles (0.000062%); highest among the groups gnomAD compares: Non-Finnish European, 0.000085%; no homozygotes.

Submissions (4):

Labcorp Genetics (formerly Invitae), Labcorp
Classification: Uncertain significance for Hereditary breast ovarian cancer syndrome. Last evaluated: 2024-09-14. Review status: criteria provided, single submitter. Criteria: Invitae Variant Classification Sherloc (09022015). Collection method: clinical testing. Allele origin: germline.
Comment: This sequence change replaces leucine, which is neutral and non-polar, with serine, which is neutral and polar, at codon 1418 of the BRCA1 protein (p.Leu1418Ser). This variant is not present in population databases (gnomAD no frequency). This variant has not been reported in the literature in individuals affected with BRCA1-related conditions. ClinVar contains an entry for this variant (Variation ID: 246517). Invitae Evidence Modeling of protein sequence and biophysical properties (such as structural, functional, and spatial information, amino acid conservation, physicochemical variation, residue mobility, and thermodynamic stability) indicates that this missense variant is not expected to disrupt BRCA1 protein function with a negative predictive value of 95%. In summary, the available evidence is currently insufficient to determine the role of this variant in disease. Therefore, it has been classified as a Variant of Uncertain Significance.

Women's Health and Genetics/Laboratory Corporation of America, LabCorp
Classification: Uncertain significance. Last evaluated: 2018-10-08. Review status: criteria provided, single submitter. Criteria: LabCorp Variant Classification Summary - May 2015. Collection method: clinical testing. Allele origin: germline.
Comment: Variant summary: BRCA1 c.4253T>C (p.Leu1418Ser) results in a non-conservative amino acid change in the encoded protein sequence. Three of five in-silico tools predict a benign effect of the variant on protein function. The variant was absent in 246204 control chromosomes. The available data on variant occurrences in the general population are insufficient to allow any conclusion about variant significance. To our knowledge, no occurrence of c.4253T>C in individuals affected with Hereditary Breast and Ovarian Cancer and no experimental evidence demonstrating its impact on protein function have been reported. Two clinical diagnostic laboratories have submitted clinical-significance assessments for this variant to ClinVar after 2014 without evidence for independent evaluation and both classified the variant as uncertain significance. Based on the evidence outlined above, the variant was classified as uncertain significance.

GeneDx
Classification: Uncertain significance. Last evaluated: 2016-03-18. Review status: criteria provided, single submitter. Criteria: GeneDx Variant Classification (06012015). Collection method: clinical testing. Allele origin: germline. Affected: yes.
Comment: This variant is denoted BRCA1 c.4253T>C at the cDNA level, p.Leu1418Ser (L1418S) at the protein level, and results in the change of a Leucine to a Serine (TTA>TCA). Using alternate nomenclature, this variant would be defined as BRCA1 4372T>C. This variant has not, to our knowledge, been published in the literature as pathogenic or benign. BRCA1 Leu1418Ser was not observed in approximately 6,500 individuals of European and African American ancestry in the NHLBI Exome Sequencing Project, suggesting it is not a common benign variant in these populations. Since Leucine and Serine differ in polarity, charge, size or other properties, this is considered a non-conservative amino acid substitution. BRCA1 Leu1418Ser occurs at a position that is conserved across species and is located in the SCD domain, the Coiled-coil Region, and a region known to interact with multiple proteins (Narod 2004, Sy 2009, Paul 2014). In silico analyses predict that this variant is probably damaging to protein structure and function. Based on currently available evidence, it is unclear whether BRCA1 Leu1418Ser is a pathogenic or benign variant. We consider it to be a variant of uncertain significance.

Ambry Genetics
Classification: Uncertain significance for Hereditary cancer-predisposing syndrome. Last evaluated: 2015-12-01. Review status: criteria provided, single submitter. Criteria: Ambry Variant Classification Scheme 2023. Collection method: clinical testing. Allele origin: germline.
Comment: The p.L1418S variant (also known as c.4253T>C), located in coding exon 11 of the BRCA1 gene, results from a T to C substitution at nucleotide position 4253. The leucine at codon 1418 is replaced by serine, an amino acid with dissimilar properties. This variant was not reported in population based cohorts in the following databases: Database of Single Nucleotide Polymorphisms (dbSNP), NHLBI Exome Sequencing Project (ESP), and 1000 Genomes Project. In the ESP, this variant was not observed in 6503 samples (13006 alleles) with coverage of 6503 at this position. To date, this alteration has been detected with an allele frequency of approximately 0.0004% (greater than 225000 alleles tested) in our clinical cohort. This amino acid position is highly conserved in available vertebrate species. In addition, the in silico prediction for this alteration is inconclusive. Since supporting evidence is limited at this time, the clinical significance of this variant remains unclear.